The following is an entry in ClinVar:

ClinVar aggregate classification (germline): Uncertain significance. Review status: criteria provided, multiple submitters, no conflicts (2 of 4 stars). 7 submissions from 7 submitters: Uncertain significance (7). Last evaluated 2025-02-05.

Conditions:
Cockayne syndrome. Identifiers: Orphanet 191, MedGen C0009207, MONDO:0016006.
Fanconi anemia complementation group Q. Identifiers: Orphanet 84, MedGen C3808988, MONDO:0014108, OMIM 615272.
Xeroderma pigmentosum, group F (XPF). Also called: XERODERMA PIGMENTOSUM VI; XP, GROUP F; XERODERMA PIGMENTOSUM, TYPE F; Xeroderma pigmentosum, type 6; XERODERMA PIGMENTOSUM, COMPLEMENTATION GROUP F; ERCC4-Related Xeroderma Pigmentosum. Identifiers: MedGen C0268140, MONDO:0010215, OMIM 278760.
XFE progeroid syndrome (XFEPS). Also called: XPF-ERCC1 PROGEROID SYNDROME. Identifiers: MedGen C1970416, MONDO:0012590, OMIM 610965.
Inborn genetic diseases. Identifiers: MedGen C0950123, MeSH D030342.
Xeroderma pigmentosum (XP). Identifiers: Orphanet 910, MedGen C0043346, MONDO:0019600.

Allele frequency attached by ClinVar (database versions not stated): ESP Exome Variant Server 0.00015; 1000 Genomes Project 30x 0.00016; 1000 Genomes Project 0.00020; gnomAD 0.00022 and 0.00024; TOPMed 0.00025.

Submissions (8):

St. Jude Molecular Pathology, St. Jude Children's Research Hospital
Classification: Uncertain significance for Xeroderma pigmentosum, group F. Last evaluated: 2025-02-05. Review status: criteria provided, single submitter. Criteria: St. Jude Assertion Criteria 2020. Collection method: clinical testing. Allele origin: germline.
Comment: The ERCC4 c.1102G>A p.(Glu368Lys) missense change has a maximum subpopulation frequency of 0.07% in gnomAD v2.1.1. The in silico tool REVEL predicts a benign effect on protein function, but to our knowledge this prediction has not been confirmed by functional studies. Algorithms that predict the impact of sequence changes on splicing indicate that this change may impact splicing but to our knowledge these predictions have not been confirmed by RNA studies. To our knowledge, this variant has not been reported in individuals with Fanconi anemia or Xeroderma pigmentosum. In summary, the evidence currently available is insufficient to determine the clinical significance of this variant. It has therefore been classified as of uncertain significance.

Fulgent Genetics
Classification: Uncertain significance for Xeroderma pigmentosum, group F; XFE progeroid syndrome; Fanconi anemia complementation group Q. Last evaluated: 2023-12-23. Review status: criteria provided, single submitter. Criteria: ACMG Guidelines, 2015. Collection method: clinical testing. Allele origin: germline.

GeneDx
Classification: Uncertain significance. Last evaluated: 2023-06-21. Review status: criteria provided, single submitter. Criteria: GeneDx Variant Classification Process June 2021. Collection method: clinical testing. Allele origin: germline. Affected: yes.
Comment: Alters the last nucleotide of the exon and is predicted to destroy the splice donor site and result in aberrant splicing, although in the absence of functional evidence the actual effect of this sequence change is unknown; In silico analysis supports that this missense variant does not alter protein structure/function; Has not been previously published as pathogenic or benign to our knowledge

Sema4
Classification: Uncertain significance for Xeroderma pigmentosum. Last evaluated: 2022-02-13. Review status: criteria provided, single submitter. Criteria: Sema4 Curation Guidelines. Collection method: curation. Allele origin: germline.
Comment: The ERCC4 c.1102G>A (p.E368K) variant has not been reported in the literature to our knowledge. This variant was observed in 22/280086 chromosomed across all populations in the large and broad cohorts in the Genome Aggregation Database (PMID: 32461654). The variant has been reported in ClinVar (Variation ID: 1016989). In silico tools suggest the impact of the variant on protein function is deleterious, though these predictions have not been confirmed by functional studies. The evidence is insufficient to meet ACMG/AMP criteria for classifying the variant as benign or pathogenic. Thus, the clinical significance of this variant is currently uncertain.

Labcorp Genetics (formerly Invitae), Labcorp
Classification: Uncertain significance for Fanconi anemia complementation group Q; Xeroderma pigmentosum, group F; Cockayne syndrome. Last evaluated: 2022-01-16. Review status: criteria provided, single submitter. Criteria: Invitae Variant Classification Sherloc (09022015). Collection method: clinical testing. Allele origin: germline.
Comment: This sequence change replaces glutamic acid, which is acidic and polar, with lysine, which is basic and polar, at codon 368 of the ERCC4 protein (p.Glu368Lys). This variant is present in population databases (rs148933357, gnomAD 0.07%). This variant has not been reported in the literature in individuals affected with ERCC4-related conditions. ClinVar contains an entry for this variant (Variation ID: 1016989). Algorithms developed to predict the effect of missense changes on protein structure and function (SIFT, PolyPhen-2, Align-GVGD) all suggest that this variant is likely to be tolerated. Algorithms developed to predict the effect of sequence changes on RNA splicing suggest that this variant may disrupt the consensus splice site. In summary, the available evidence is currently insufficient to determine the role of this variant in disease. Therefore, it has been classified as a Variant of Uncertain Significance.

Ambry Genetics
Classification: Uncertain significance for Inborn genetic diseases. Last evaluated: 2021-12-20. Review status: criteria provided, single submitter. Criteria: Ambry Variant Classification Scheme 2023. Collection method: clinical testing. Allele origin: germline.

Revvity Omics, Revvity
Classification: Uncertain significance. Last evaluated: 2021-09-06. Review status: criteria provided, single submitter. Criteria: ACMG Guidelines, 2015. Collection method: clinical testing. Allele origin: germline.

Dr. Peter K. Rogan Lab, Western University
No classification provided (evidence only). Condition: Hepatocellular carcinoma. Review status: no classification provided. Collection method: in vitro. Allele origin: not applicable. Functional consequence: retained intron. Not counted in ClinVar's aggregate classification.

NM_005236.3(ERCC4):c.1102G>A (p.Glu368Lys)

Gene: ERCC4 (ERCC excision repair 4, endonuclease catalytic subunit; plus strand). Cytogenetic location: 16p13.12.
Variant type: single nucleotide variant.
Coding change: c.1102G>A on transcript NM_005236.3 (MANE Select); coding-DNA position 1102, G replaced by A.
Protein change: p.Glu368Lys; replaces glutamic acid 368 with lysine.
Molecular consequence: missense variant.
Genome position (GRCh38, 1-based): chr16:13,932,285, G>A. VCF-style: chr16-13932285-G-A. GRCh37 (hg19) VCF-style: chr16-14026142-G-A.
Other names: short protein forms E368K.
Identifiers: ClinVar variation 1016989 (VCV001016989.14), dbSNP rs148933357, ClinGen allele CA7910357.
Genomic context (GRCh38, chr16:13,932,285, plus strand): 5'-GATGCCAAAATGAGTAAAAAAGAAAAAATATCTGAAAAAATGGAAATTAAAGAAGGGGAA[G>A]GTATCTTGTGGGGTTAAGTCTTTAAATGTGTTTTTTATTTCGGTATTTGGTATGGAAATT-3'
Protein context (NP_005227.1, residues 358-378): SEKMEIKEGE[Glu368Lys]TKKELVLESN